The following is an entry in ClinVar:

NM_181523.3(PIK3R1):c.1306_1313del (p.Val436fs)

Gene: PIK3R1 (phosphoinositide-3-kinase regulatory subunit 1; plus strand). Cytogenetic location: 5q13.1.
Variant type: Deletion.
Coding change: c.1306_1313del on transcript NM_181523.3 (MANE Select); coding-DNA positions 1306 to 1313, 8 bases deleted (GTTGTCAA; older notation c.1306_1313delGTTGTCAA).
Protein change: p.Val436fs; shifts the reading frame from valine 436.
Molecular consequence: frameshift variant.
Genome position (GRCh38, 1-based): chr5:68,293,715-68,293,722, GTTGTCAA deleted; deleting any 8 consecutive bases within chr5:68,293,711-68,293,722 gives the same sequence; the c. name uses the placement nearest the transcript's 3' end. VCF-style (leftmost placement, unchanged base first): chr5-68293710-ATCAAGTTG-A. GRCh37 (hg19) VCF-style: chr5-67589538-ATCAAGTTG-A.
Other names: c.217_224del, p.Val73fs (NM_001242466.2); c.496_503del, p.Val166fs (NM_181504.4); c.406_413del, p.Val136fs (NM_181524.2); short protein forms V136fs, V166fs, V436fs, V73fs.
Identifiers: ClinVar variation 2952766 (VCV002952766.3), dbSNP rs2531001005, ClinGen allele CA2740091738.

ClinVar aggregate classification (germline): Pathogenic (1 of 4 stars; one submission).

Conditions:
SHORT syndrome. Also called: LIPODYSTROPHY, PARTIAL, WITH RIEGER ANOMALY AND SHORT STATURE; PIK3R1-Related SHORT Syndrome; SHORT STATURE, HYPEREXTENSIBILITY, HERNIA, OCULAR DEPRESSION, RIEGER ANOMALY, AND TEETHING DELAY. Identifiers: Orphanet 3163, MedGen C0878684, MONDO:0010026, OMIM 269880.
Agammaglobulinemia 7, autosomal recessive (AGM7). Also called: AGAMMAGLOBULINEMIA, AUTOSOMAL RECESSIVE, DUE TO PIK3R1 DEFECT. Identifiers: MedGen C3554689, MONDO:0014083, OMIM 615214.
Immunodeficiency 36 with lymphoproliferation. Also called: Immunodeficiency 36; ACTIVATED PI3K-DELTA SYNDROME 2; Activated PI3K Delta Syndrome Type 2 (APDS2). Identifiers: Orphanet 397596, Orphanet 693681, MedGen C4014934, MONDO:0014453, OMIM 616005.

Submission:

Labcorp Genetics (formerly Invitae), Labcorp
Classification: Pathogenic for SHORT syndrome; Immunodeficiency 36 with lymphoproliferation; Agammaglobulinemia 7, autosomal recessive. Last evaluated: 2023-10-17. Review status: criteria provided, single submitter. Criteria: Invitae Variant Classification Sherloc (09022015). Collection method: clinical testing. Allele origin: germline.
Comment: This sequence change creates a premature translational stop signal (p.Val436Argfs*3) in the PIK3R1 gene. It is expected to result in an absent or disrupted protein product. Loss-of-function variants in PIK3R1 are known to be pathogenic (PMID: 22351933, 25133428). This variant is not present in population databases (gnomAD no frequency). This variant has not been reported in the literature in individuals affected with PIK3R1-related conditions. For these reasons, this variant has been classified as Pathogenic.

Literature cited by the submitters: PubMed 22351933; PubMed 25133428.